The following is an entry in ClinVar:

NM_001620.3(AHNAK):c.14421C>T (p.Ala4807=)

Gene: AHNAK (AHNAK nucleoprotein; minus strand). Cytogenetic location: 11q12.3.
Variant type: single nucleotide variant.
Coding change: c.14421C>T on transcript NM_001620.3 (MANE Select); coding-DNA position 14421, C replaced by T.
Protein change: p.Ala4807=; no amino-acid change (alanine 4807 retained).
Molecular consequence: synonymous variant. On other transcripts: intron variant (1).
Genome position (GRCh38, 1-based): chr11:62,519,996, G>A on the plus strand (C>T on the coding strand, the complement: AHNAK is on the minus strand). VCF-style: chr11-62519996-G-A. GRCh37 (hg19) VCF-style: chr11-62287468-G-A.
Other names: c.14421C>T, p.Ala4807= (NM_001346445.2, NM_001346446.2); c.342+15007C>T (NM_024060.4).
Identifiers: ClinVar variation 2641856 (VCV002641856.24), dbSNP rs767887591, ClinGen allele CA6044231.

ClinVar aggregate classification (germline): Likely benign (1 of 4 stars; one submission).

Allele frequency attached by ClinVar (database versions not stated): gnomAD exomes 0.00003; ExAC 0.00008.

Submission:

CeGaT Center for Human Genetics Tuebingen
Classification: Likely benign. Last evaluated: 2026-09-01. Review status: criteria provided, single submitter. Criteria: CeGaT Center For Human Genetics Tuebingen Variant Classification Criteria Version 2. Collection method: clinical testing. Allele origin: germline. Affected: yes. Observed: 19 variant alleles.
Comment: AHNAK: BP4, BP7